The following is an entry in ClinVar:

NM_001136239.4(PRDM6):c.1032G>A (p.Ser344=)

Gene: PRDM6 (PR/SET domain 6; plus strand). Cytogenetic location: 5q23.2.
Variant type: single nucleotide variant.
Coding change: c.1032G>A on transcript NM_001136239.4 (MANE Select); coding-DNA position 1032, G replaced by A.
Protein change: p.Ser344=; no amino-acid change (serine 344 retained).
Molecular consequence: synonymous variant.
Genome position (GRCh38, 1-based): chr5:123,159,517, G>A. VCF-style: chr5-123159517-G-A. GRCh37 (hg19) VCF-style: chr5-122495211-G-A.
Identifiers: ClinVar variation 3054072 (VCV003054072.3), dbSNP rs531264004, ClinGen allele CA3386409.

ClinVar aggregate classification (germline): Likely benign. Review status: criteria provided, single submitter (1 of 4 stars). 2 submissions from 2 submitters: Likely benign (1). 1 of the submissions does not count toward it. Last evaluated 2024-07-11.

Conditions:
PRDM6-related disorder. Also called: PRDM6-related condition.

Allele frequency attached by ClinVar (database versions not stated): gnomAD exomes 0.00004; ExAC 0.00009; gnomAD 0.00049; TOPMed 0.00069.
gnomAD v4.1: 138 of 1,550,894 alleles (0.0089%); highest among the groups gnomAD compares: African/African-American, 0.15%; no homozygotes.

Submissions (2):

Blueprint Genetics
Classification: Likely benign. Last evaluated: 2024-07-11. Review status: criteria provided, single submitter. Criteria: ACMG Guidelines, 2015. Collection method: clinical testing. Allele origin: germline.

PreventionGenetics, part of Exact Sciences
Classification: Likely benign for PRDM6-related condition. Last evaluated: 2023-04-14. Review status: no assertion criteria provided. Collection method: clinical testing. Allele origin: germline. Not counted in ClinVar's aggregate classification.
Comment: This variant is classified as likely benign based on ACMG/AMP sequence variant interpretation guidelines (Richards et al. 2015 PMID: 25741868, with internal and published modifications).